The following is an entry in ClinVar:

NC_000012.11:g.(?_88442961)_(88449494_?)dup

Genes: CEP290 (centrosomal protein 290; minus strand), RLIG1 (RNA 5'-phosphate and 3'-OH ligase 1; plus strand). Cytogenetic location: 12q21.32.
Variant type: Duplication.
Identifiers: ClinVar variation 1017526 (VCV001017526.9).

ClinVar aggregate classification (germline): Uncertain significance (1 of 4 stars; one submission).

Conditions:
Joubert syndrome. Also called: Familial aplasia of the vermis; CEREBELLOPARENCHYMAL DISORDER IV; JOUBERT-BOLTSHAUSER SYNDROME. Identifiers: Orphanet 475, MedGen C5979921, MONDO:0018772.
Meckel-Gruber syndrome. Also called: Dysencephalia splachnocystica; DYSENCEPHALIA SPLANCHNOCYSTICA; GRUBER SYNDROME. Identifiers: Orphanet 564, MedGen C0265215, MONDO:0018921.
Nephronophthisis. Also called: Juvenile Nephronophthisis. Identifiers: Orphanet 655, MedGen C0687120, MONDO:0019005, HP:0000090.

Submission:

Labcorp Genetics (formerly Invitae), Labcorp
Classification: Uncertain significance for Joubert syndrome; Meckel-Gruber syndrome; Nephronophthisis. Last evaluated: 2022-02-24. Review status: criteria provided, single submitter. Criteria: Invitae Variant Classification Sherloc (09022015). Collection method: clinical testing. Allele origin: germline.
Comment: This variant results in a copy number gain of the genomic region encompassing exon(s) 50-54 of the CEP290 gene. This region includes the termination codon of the gene. This copy number gain extends beyond the assayed region for this gene and therefore may encompass additional genes. As the precise location of this event is unknown, it may be in tandem or it may be located elsewhere in the genome. A similar copy number variant has been observed in individual(s) with clinical features of CEP290-related conditions (PMID: 21786365). In summary, the available evidence is currently insufficient to determine the role of this variant in disease. Therefore, it has been classified as a Variant of Uncertain Significance.

Literature cited by the submitters: PubMed 21786365.